The following is an entry in ClinVar:

NM_006623.4(PHGDH):c.1100G>C (p.Gly367Ala)

Gene: PHGDH (phosphoglycerate dehydrogenase; plus strand). Cytogenetic location: 1p12.
Variant type: single nucleotide variant.
Coding change: c.1100G>C on transcript NM_006623.4 (MANE Select); coding-DNA position 1100, G replaced by C.
Protein change: p.Gly367Ala; replaces glycine 367 with alanine.
Molecular consequence: missense variant.
Genome position (GRCh38, 1-based): chr1:119,741,788, G>C. VCF-style: chr1-119741788-G-C. GRCh37 (hg19) VCF-style: chr1-120284411-G-C.
Other names: short protein forms G367A.
Identifiers: ClinVar variation 1438929 (VCV001438929.8), dbSNP rs768838647, ClinGen allele CA341852850.

ClinVar aggregate classification (germline): Uncertain significance (1 of 4 stars; one submission).

Conditions:
PHGDH deficiency. Identifiers: Orphanet 79351, MedGen C1866174, MONDO:0011152, OMIM 601815.

gnomAD v4.1: 1 of 1,613,408 alleles (0.000062%); highest among the groups gnomAD compares: Non-Finnish European, 0.000085%; no homozygotes.

Submission:

Labcorp Genetics (formerly Invitae), Labcorp
Classification: Uncertain significance for PHGDH deficiency. Last evaluated: 2021-07-09. Review status: criteria provided, single submitter. Criteria: Invitae Variant Classification Sherloc (09022015). Collection method: clinical testing. Allele origin: germline.
Comment: In summary, the available evidence is currently insufficient to determine the role of this variant in disease. Therefore, it has been classified as a Variant of Uncertain Significance. Algorithms developed to predict the effect of missense changes on protein structure and function (SIFT, PolyPhen-2, Align-GVGD) all suggest that this variant is likely to be tolerated. This variant has not been reported in the literature in individuals affected with PHGDH-related conditions. This variant is not present in population databases (ExAC no frequency). This sequence change replaces glycine with alanine at codon 367 of the PHGDH protein (p.Gly367Ala). The glycine residue is weakly conserved and there is a small physicochemical difference between glycine and alanine.